The following is an entry in ClinVar:

ClinVar aggregate classification (germline): Uncertain significance (1 of 4 stars; one submission).

Conditions:
MHC class I deficiency. Identifiers: Orphanet 34592, MedGen C6024714, MONDO:0011476.

Allele frequency attached by ClinVar (database versions not stated): TOPMed 0.00002; gnomAD 0.00004 and 0.00003; gnomAD exomes 0.00002 and 0.00003; ESP Exome Variant Server 0.00008; ExAC 0.00003.
gnomAD v4.1: 44 of 1,613,736 alleles (0.0027%); highest among the groups gnomAD compares: Non-Finnish European, 0.0036%; no homozygotes.

Submission:

Labcorp Genetics (formerly Invitae), Labcorp
Classification: Uncertain significance for MHC class I deficiency 1. Last evaluated: 2025-12-06. Review status: criteria provided, single submitter. Criteria: Invitae Variant Classification Sherloc (09022015). Collection method: clinical testing. Allele origin: germline.
Comment: This sequence change replaces glycine, which is neutral and non-polar, with serine, which is neutral and polar, at codon 212 of the TAPBP protein (p.Gly212Ser). This variant is present in population databases (rs371603958, gnomAD 0.005%). This variant has not been reported in the literature in individuals affected with TAPBP-related conditions. ClinVar contains an entry for this variant (Variation ID: 949179). An algorithm developed to predict the effect of missense changes on protein structure and function (PolyPhen-2) suggests that this variant is likely to be disruptive. In summary, the available evidence is currently insufficient to determine the role of this variant in disease. Therefore, it has been classified as a Variant of Uncertain Significance.

NM_003190.5(TAPBP):c.634G>A (p.Gly212Ser)

Gene: TAPBP (TAP binding protein; minus strand). Cytogenetic location: 6p21.32.
Variant type: single nucleotide variant.
Coding change: c.634G>A on transcript NM_003190.5 (MANE Select); coding-DNA position 634, G replaced by A.
Protein change: p.Gly212Ser; replaces glycine 212 with serine.
Molecular consequence: missense variant.
Genome position (GRCh38, 1-based): chr6:33,305,223, C>T on the plus strand (G>A on the coding strand, the complement: TAPBP is on the minus strand). VCF-style: chr6-33305223-C-T. GRCh37 (hg19) VCF-style: chr6-33273000-C-T.
Other names: c.634G>A, p.Gly212Ser (NM_172208.3); c.373G>A, p.Gly125Ser (NM_172209.3); short protein forms G212S, G125S.
Identifiers: ClinVar variation 949179 (VCV000949179.9), dbSNP rs371603958, ClinGen allele CA3755836.
Genomic context (GRCh38, chr6:33,305,223, plus strand): 5'-GGGCTGCTGGCATCTGGCCATTCAGCCCAGGAGTTGCAGCCAGGAGCAGATGTCCCTTAC[C>T]CAGGTGCTGGCGTCGCCACTCTAGCCCAAAGGGAGGGGGACCCGGAGCCAGAGATGAGGC-3'
Protein context (NP_003181.3, residues 202-222): FGLEWRRQHL[Gly212Ser]KGHLLLAATP